The following is an entry in ClinVar:

ClinVar aggregate classification (germline): Pathogenic (1 of 4 stars; one submission).

Conditions:
Duchenne muscular dystrophy (DMD). Also called: MUSCULAR DYSTROPHY, PSEUDOHYPERTROPHIC PROGRESSIVE, DUCHENNE TYPE; Duchenne Muscular Dystrophy (DMD). Identifiers: Orphanet 98896, MedGen C0013264, MONDO:0010679, OMIM 310200.

Submission:

Labcorp Genetics (formerly Invitae), Labcorp
Classification: Pathogenic for Duchenne muscular dystrophy. Last evaluated: 2021-04-11. Review status: criteria provided, single submitter. Criteria: Invitae Variant Classification Sherloc (09022015). Collection method: clinical testing. Allele origin: germline.
Comment: For these reasons, this variant has been classified as Pathogenic. This variant has been observed in individual(s) with Duchenne muscular dystrophy (PMID: 19837995). This variant is a gross deletion of the genomic region encompassing exon(s) 67 of the DMD gene. This deletion is out-of-frame, and is expected to create a premature translational stop signal and result in an absent or disrupted protein product. Loss-of-function variants in DMD are known to be pathogenic (PMID: 16770791, 25007885).

Literature cited by the submitters: PubMed 19837995; PubMed 16770791; PubMed 25007885.

NC_000023.10:g.(?_31222058)_(31222255_?)del

Gene: DMD (dystrophin; minus strand). Cytogenetic location: Xp21.2.
Variant type: Deletion.
Identifiers: ClinVar variation 1414303 (VCV001414303.8).